The following is an entry in ClinVar:

NM_000254.3(MTR):c.2669_2670del (p.Val890fs)

Gene: MTR (5-methyltetrahydrofolate-homocysteine methyltransferase; plus strand). Cytogenetic location: 1q43.
Variant type: Microsatellite.
Coding change: c.2669_2670del on transcript NM_000254.3 (MANE Select); coding-DNA positions 2669 to 2670, 2 bases deleted (TG; older notation c.2669_2670delTG).
Protein change: p.Val890fs; shifts the reading frame from valine 890.
Molecular consequence: frameshift variant.
Genome position (GRCh38, 1-based): chr1:236,880,829-236,880,830, TG deleted; deleting any 2 consecutive bases within chr1:236,880,826-236,880,830 gives the same sequence; the c. name uses the placement nearest the transcript's 3' end. VCF-style (leftmost placement, unchanged base first): chr1-236880825-AGT-A. GRCh37 (hg19) VCF-style: chr1-237044125-AGT-A.
Other names: c.2516_2517del, p.Val839fs (NM_001291939.1); c.1448_1449del, p.Val483fs (NM_001291940.2); short protein forms V483fs, V839fs, V890fs.
Identifiers: ClinVar variation 195849 (VCV000195849.8), dbSNP rs794727395, ClinGen allele CA275122.
Genomic context (GRCh38, chr1:236,880,825, plus strand): 5'-GCAGTTAAAATAGCTCCGAGATACAGTGCACCTGTAATCCATGTCCTGGACGCGTCCAAG[AGT>A]GTGGTGGTGGTAAGTGGGTGACCTTACATTTTATTCCAGATGTGTTGGAAAGCTTGCATT-3'

ClinVar aggregate classification (germline): Pathogenic. Review status: criteria provided, multiple submitters, no conflicts (2 of 4 stars). 2 submissions from 2 submitters: Pathogenic (2). Last evaluated 2023-04-19.

Conditions:
Methylcobalamin deficiency type cblG (HMAG). Also called: HOMOCYSTINURIA-MEGALOBLASTIC ANEMIA, cblG TYPE; Functional methionine synthase deficiency type cblG; HOMOCYSTINURIA-MEGALOBLASTIC ANEMIA, cblG COMPLEMENTATION TYPE; HOMOCYSTINURIA-MEGALOBLASTIC ANEMIA DUE TO DEFECT IN COBALAMIN METABOLISM, cblG COMPLEMENTATION TYPE. Identifiers: Orphanet 2170, Orphanet 622, MedGen C1855128, MONDO:0009609, OMIM 250940.

Submissions (2):

Labcorp Genetics (formerly Invitae), Labcorp
Classification: Pathogenic for Methylcobalamin deficiency type cblG. Last evaluated: 2023-04-19. Review status: criteria provided, single submitter. Criteria: Invitae Variant Classification Sherloc (09022015). Collection method: clinical testing. Allele origin: germline.
Comment: This premature translational stop signal has been observed in individual(s) with cobalamin G (cblG) deficiency (PMID: 12068375). The frequency data for this variant in the population databases is considered unreliable, as metrics indicate poor data quality at this position in the gnomAD database. This sequence change creates a premature translational stop signal (p.Val890Glyfs*9) in the MTR gene. It is expected to result in an absent or disrupted protein product. Loss-of-function variants in MTR are known to be pathogenic (PMID: 9683607, 12068375). For these reasons, this variant has been classified as Pathogenic.

Eurofins Ntd Llc (ga)
Classification: Pathogenic. Last evaluated: 2015-05-19. Review status: criteria provided, single submitter. Criteria: EGL Classification Definitions 2015. Collection method: clinical testing. Allele origin: germline. Observed: 1 variant allele, 1 heterozygote.

Literature cited by the submitters: PubMed 12068375 (cited by Labcorp Genetics (formerly Invitae), Labcorp); PubMed 9683607 (cited by Labcorp Genetics (formerly Invitae), Labcorp).